The following is an entry in ClinVar:

ClinVar aggregate classification (germline): Uncertain significance. Review status: criteria provided, multiple submitters, no conflicts (2 of 4 stars). 3 submissions from 3 submitters: Uncertain significance (3). Last evaluated 2023-09-15.

Conditions:
Colorectal cancer. Also called: Colorectal cancer, somatic; Malignant Colorectal Neoplasm. Identifiers: MedGen C0346629, MONDO:0005575, OMIM 114500.
Oligodontia-cancer predisposition syndrome. Also called: TOOTH AGENESIS-COLORECTAL CANCER SYNDROME. Identifiers: Orphanet 300576, MedGen C1837750, MONDO:0012075, OMIM 608615. Disease mechanism: loss of function.
Hereditary cancer-predisposing syndrome. Also called: Neoplastic Syndromes, Hereditary; Tumor predisposition; Hereditary neoplastic syndrome; Hereditary Cancer Syndrome. Identifiers: Orphanet 140162, MedGen C0027672, MeSH D009386, MONDO:0015356.

Submissions (3):

Labcorp Genetics (formerly Invitae), Labcorp
Classification: Uncertain significance for Oligodontia-cancer predisposition syndrome. Last evaluated: 2023-09-15. Review status: criteria provided, single submitter. Criteria: Invitae Variant Classification Sherloc (09022015). Collection method: clinical testing. Allele origin: germline.
Comment: In summary, the available evidence is currently insufficient to determine the role of this variant in disease. Therefore, it has been classified as a Variant of Uncertain Significance. Advanced modeling of protein sequence and biophysical properties (such as structural, functional, and spatial information, amino acid conservation, physicochemical variation, residue mobility, and thermodynamic stability) performed at Invitae indicates that this missense variant is expected to disrupt AXIN2 protein function. ClinVar contains an entry for this variant (Variation ID: 2451653). This variant has not been reported in the literature in individuals affected with AXIN2-related conditions. This variant is not present in population databases (gnomAD no frequency). This sequence change replaces proline, which is neutral and non-polar, with alanine, which is neutral and non-polar, at codon 467 of the AXIN2 protein (p.Pro467Ala).

Baylor Genetics
Classification: Uncertain significance for Colorectal cancer. Last evaluated: 2023-08-06. Review status: criteria provided, single submitter. Criteria: ACMG Guidelines, 2015. Collection method: clinical testing. Allele origin: unknown.

Ambry Genetics
Classification: Uncertain significance for Hereditary cancer-predisposing syndrome. Last evaluated: 2022-12-26. Review status: criteria provided, single submitter. Criteria: Ambry Variant Classification Scheme 2023. Collection method: clinical testing. Allele origin: germline.
Comment: The p.P467A variant (also known as c.1399C>G), located in coding exon 5 of the AXIN2 gene, results from a C to G substitution at nucleotide position 1399. The proline at codon 467 is replaced by alanine, an amino acid with highly similar properties. This amino acid position is conserved. In addition, the in silico prediction for this alteration is inconclusive. Since supporting evidence is limited at this time, the clinical significance of this alteration remains unclear.

NM_004655.4(AXIN2):c.1399C>G (p.Pro467Ala)

Gene: AXIN2 (axin 2; minus strand). Cytogenetic location: 17q24.1.
Variant type: single nucleotide variant.
Coding change: c.1399C>G on transcript NM_004655.4 (MANE Select); coding-DNA position 1399, C replaced by G.
Protein change: p.Pro467Ala; replaces proline 467 with alanine.
Molecular consequence: missense variant.
Genome position (GRCh38, 1-based): chr17:65,537,637, G>C on the plus strand (C>G on the coding strand, the complement: AXIN2 is on the minus strand). VCF-style: chr17-65537637-G-C. GRCh37 (hg19) VCF-style: chr17-63533755-G-C.
Other names: c.1399C>G, p.Pro467Ala (NM_001363813.1); short protein forms P467A.
Identifiers: ClinVar variation 2451653 (VCV002451653.6), dbSNP rs2144463949, ClinGen allele CA400677585.
Genomic context (GRCh38, chr17:65,537,637, plus strand): 5'-GCTTGCCACCGGGCGGGAGCAGGGAGTGGTACTGCGAATGGTGGTGGTGGTGGTGGTCCG[G>C]GGAGCGGGAGCGGGGGCTATAGCGGCCTACGCCTGGAGACTGGCAGCCAGGGGTCTTGAG-3'
Protein context (NP_004646.3, residues 457-477): VGRYSPRSRS[Pro467Ala]DHHHHHHSQY